The following is an entry in ClinVar:

ClinVar aggregate classification (germline): Uncertain significance (1 of 4 stars; one submission).

Conditions:
Hereditary cancer-predisposing syndrome. Also called: Tumor predisposition; Neoplastic Syndromes, Hereditary; Hereditary neoplastic syndrome; Hereditary Cancer Syndrome. Identifiers: Orphanet 140162, MedGen C0027672, MeSH D009386, MONDO:0015356.

Submission:

Ambry Genetics
Classification: Uncertain significance for Hereditary cancer-predisposing syndrome. Last evaluated: 2025-08-27. Review status: criteria provided, single submitter. Criteria: Ambry Variant Classification Scheme 2023. Collection method: clinical testing. Allele origin: germline.
Comment: The p.G499D variant (also known as c.1496G>A), located in coding exon 15 of the MUTYH gene, results from a G to A substitution at nucleotide position 1496. The glycine at codon 499 is replaced by aspartic acid, an amino acid with similar properties. This amino acid position is conserved. In addition, this alteration is predicted to be tolerated by in silico analysis. Based on the available evidence, the clinical significance of this variant remains unclear.

NM_001048174.2(MUTYH):c.1412G>A (p.Gly471Asp)

Gene: MUTYH (mutY DNA glycosylase; minus strand). Cytogenetic location: 1p34.1.
Variant type: single nucleotide variant.
Coding change: c.1412G>A on transcript NM_001048174.2 (MANE Select); coding-DNA position 1412, G replaced by A.
Protein change: p.Gly471Asp; replaces glycine 471 with aspartic acid.
Molecular consequence: missense variant. On other transcripts: non-coding transcript variant (7).
Genome position (GRCh38, 1-based): chr1:45,330,538, C>T on the plus strand (G>A on the coding strand, the complement: MUTYH is on the minus strand). VCF-style: chr1-45330538-C-T. GRCh37 (hg19) VCF-style: chr1-45796210-C-T.
Other names: c.1412G>A, p.Gly471Asp (NM_001048171.2, NM_001048173.2, NM_001407070.1 and 6 more transcripts); c.1415G>A, p.Gly472Asp (NM_001048172.2, NM_001407071.1, NM_001407078.1 and 1 more transcripts); c.1328G>A, p.Gly443Asp (NM_001407075.1); c.1445G>A, p.Gly482Asp (NM_001407077.1, NM_001293191.2, NM_001407069.1); c.1373G>A, p.Gly458Asp (NM_001407079.1); c.1370G>A, p.Gly457Asp (NM_001407080.1); c.1496G>A, p.Gly499Asp (NM_001128425.2); c.1457G>A, p.Gly486Asp (NM_001293190.2); and 5 more; short protein forms G443D, G472D, G482D, G457D, G471D, G478D, G379D, G485D.
Identifiers: ClinVar variation 4112847 (VCV004112847.1).